The following is an entry in ClinVar:

ClinVar aggregate classification (germline): Pathogenic/Likely pathogenic. Review status: criteria provided, multiple submitters, no conflicts (2 of 4 stars). 3 submissions from 3 submitters: Pathogenic (1); Likely pathogenic (2). Last evaluated 2026-08-06.

Conditions:
Congenital myasthenic syndrome (CMS). Also called: Congenital Myasthenic Syndromes. Identifiers: Orphanet 590, MedGen C0751882, MeSH D020294, MONDO:0018940.
Lethal multiple pterygium syndrome (LMPS). Identifiers: Orphanet 33108, MedGen C1854678, MONDO:0009668, OMIM 253290.

Submissions (3):

OLLIN Analises Genomicas, OLLIN
Classification: Likely pathogenic for Lethal multiple pterygium syndrome. Last evaluated: 2026-08-06. Review status: criteria provided, single submitter. Criteria: ACMG Guidelines 2015 PMID 25741868. Collection method: clinical testing. Allele origin: germline. Inheritance: Autosomal recessive inheritance.
Comment: This frameshift variant, located in exon 5 (of 9), has been reported in ClinVar (accession VCV000667020.5) and in gnomAD with an allele frequency of 0.000062%. However, to our knowledge, it has not been reported in the scientific literature. This variant causes a frameshift and introduces a premature stop codon, which is predicted to result in either a truncated protein or degradation of the mRNA via nonsense-mediated decay (NMD). According to the currently available evidence, this variant has been classified as likely pathogenic (PVS1, PM2_P).

3billion
Classification: Pathogenic for Lethal multiple pterygium syndrome. Last evaluated: 2023-10-20. Review status: criteria provided, single submitter. Criteria: ACMG Guidelines, 2015. Collection method: clinical testing. Allele origin: germline. Affected: yes.
Comment: The variant is not observed in the gnomAD v2.1.1 dataset. Predicted Consequence/Location: Frameshift: predicted to result in a loss or disruption of normal protein function through nonsense-mediated decay (NMD) or protein truncation. Multiple pathogenic variants are reported downstream of the variant. The variant has been reported to be associated with CHRNA1 related disorder (ClinVar ID: VCV000667020). Therefore, this variant is classified as Pathogenic according to the recommendation of ACMG/AMP guideline.

Laboratory for Molecular Medicine, Mass General Brigham Personalized Medicine
Classification: Likely pathogenic for Congenital myasthenic syndrome. Last evaluated: 2018-10-02. Review status: criteria provided, single submitter. Criteria: LMM Criteria. Collection method: clinical testing. Allele origin: germline. Observed: 1 variant allele.
Comment: The p.Lys152SerfsX18 variant in CHRNA1 has not been previously reported in indiv iduals with congenital myasthenic syndrome or lethal multiple pterygium syndrome and was absent from large population studies. This variant is predicted to caus e a frameshift, which alters the protein?s amino acid sequence beginning at posi tion 152 and leads to a premature termination codon 18 amino acids downstream. T his alteration is then predicted to lead to a truncated or absent protein. Biall elic loss of function variants have been reported as disease causing for both co ngenital myasthenic syndrome and lethal multiple pterygium syndrome. In summary, although additional studies are required to fully establish its clinical signif icance, the p.Lys152SerfsX18 variant is likely pathogenic. ACMG/AMP criteria app lied: PVS1_Strong, PM2.

NM_000079.4(CHRNA1):c.380_381del (p.Lys127fs)

Gene: CHRNA1 (cholinergic receptor nicotinic alpha 1 subunit; minus strand). Cytogenetic location: 2q31.1.
Variant type: Deletion.
Coding change: c.380_381del on transcript NM_000079.4 (MANE Select); coding-DNA positions 380 to 381, 2 bases deleted (AA; older notation c.380_381delAA).
Protein change: p.Lys127fs; shifts the reading frame from lysine 127.
Molecular consequence: frameshift variant.
Genome position (GRCh38, 1-based): chr2:174,754,378-174,754,379, TT deleted on the plus strand (AA on the coding strand, the reverse complement: CHRNA1 is on the minus strand); deleting any 2 consecutive bases within chr2:174,754,378-174,754,380 gives the same sequence; the c. name uses the placement nearest the transcript's 3' end. VCF-style (leftmost placement, unchanged base first): chr2-174754377-CTT-C. GRCh37 (hg19) VCF-style: chr2-175619105-CTT-C.
Other names: c.455_456del, p.Lys152fs (NM_001039523.3); short protein forms K127fs, K152fs.
Identifiers: ClinVar variation 667020 (VCV000667020.6), dbSNP rs1574007436, ClinGen allele CA915942126.